The following is an entry in ClinVar:

NM_003073.5(SMARCB1):c.197C>G (p.Ser66Trp)

Gene: SMARCB1 (SWI/SNF related BAF chromatin remodeling complex subunit B1; plus strand). Cytogenetic location: 22q11.23.
Variant type: single nucleotide variant.
Coding change: c.197C>G on transcript NM_003073.5 (MANE Select); coding-DNA position 197, C replaced by G.
Protein change: p.Ser66Trp; replaces serine 66 with tryptophan.
Molecular consequence: missense variant.
Genome position (GRCh38, 1-based): chr22:23,791,859, C>G. VCF-style: chr22-23791859-C-G. GRCh37 (hg19) VCF-style: chr22-24134046-C-G.
Other names: c.197C>G, p.Ser66Trp (NM_001007468.3, NM_001317946.2, NM_001362877.2); short protein forms S66W.
Identifiers: ClinVar variation 4550252 (VCV004550252.2).
Genomic context (GRCh38, chr22:23,791,859, plus strand): 5'-GATACCCCTCACTCTGGAGGCGACTAGCCACTGTGGAAGAGAGGAAGAAAATAGTTGCAT[C>G]GTCACATGGTAAAAAAACAAAACCTAACACTAAGGGTGCGTCTTCACGAGGGTTTGTAAA-3'
Protein context (NP_003064.2, residues 56-76): TVEERKKIVA[Ser66Trp]SHGKKTKPNT

ClinVar aggregate classification (germline): Uncertain significance. Review status: criteria provided, multiple submitters, no conflicts (2 of 4 stars). 2 submissions from 2 submitters: Uncertain significance (2). Last evaluated 2025-11-17.

Conditions:
Hereditary cancer-predisposing syndrome. Also called: Tumor predisposition; Hereditary Cancer Syndrome; Hereditary neoplastic syndrome; Neoplastic Syndromes, Hereditary. Identifiers: Orphanet 140162, MedGen C0027672, MeSH D009386, MONDO:0015356.

Submissions (2):

Ambry Genetics
Classification: Uncertain significance for Hereditary cancer-predisposing syndrome. Last evaluated: 2025-11-17. Review status: criteria provided, single submitter. Criteria: Ambry Variant Classification Scheme 2023. Collection method: clinical testing. Allele origin: germline.
Comment: The p.S66W variant (also known as c.197C>G), located in coding exon 2 of the SMARCB1 gene, results from a C to G substitution at nucleotide position 197. The serine at codon 66 is replaced by tryptophan, an amino acid with highly dissimilar properties. This amino acid position is conserved. In addition, this alteration is predicted to be deleterious by in silico analysis. Based on the available evidence, the clinical significance of this variant remains unclear.

Labcorp Genetics (formerly Invitae), Labcorp
Classification: Uncertain significance. Last evaluated: 2025-10-09. Review status: criteria provided, single submitter. Criteria: Invitae Variant Classification Sherloc (09022015). Collection method: clinical testing. Allele origin: germline.
Comment: This sequence change replaces serine, which is neutral and polar, with tryptophan, which is neutral and slightly polar, at codon 66 of the SMARCB1 protein (p.Ser66Trp). This variant is not present in population databases (gnomAD no frequency). This variant has not been reported in the literature in individuals affected with SMARCB1-related conditions. An algorithm developed to predict the effect of missense changes on protein structure and function (PolyPhen-2) suggests that this variant is likely to be disruptive. In summary, the available evidence is currently insufficient to determine the role of this variant in disease. Therefore, it has been classified as a Variant of Uncertain Significance.